The following is an entry in ClinVar:

NM_001134831.2(AHI1):c.2891A>G (p.Asp964Gly)

Gene: AHI1 (Abelson helper integration site 1; minus strand). Cytogenetic location: 6q23.3.
Variant type: single nucleotide variant.
Coding change: c.2891A>G on transcript NM_001134831.2 (MANE Select); coding-DNA position 2891, A replaced by G.
Protein change: p.Asp964Gly; replaces aspartic acid 964 with glycine.
Molecular consequence: missense variant.
Genome position (GRCh38, 1-based): chr6:135,411,418, T>C on the plus strand (A>G on the coding strand, the complement: AHI1 is on the minus strand). VCF-style: chr6-135411418-T-C. GRCh37 (hg19) VCF-style: chr6-135732556-T-C.
Other names: c.2891A>G, p.Asp964Gly (NM_001134830.2, NM_001134832.2, NM_001350503.2 and 2 more transcripts); c.2891A>G (NM_017651.4); short protein forms D964G.
Identifiers: ClinVar variation 2143847 (VCV002143847.3), dbSNP rs753545355, ClinGen allele CA4012245.
Genomic context (GRCh38, chr6:135,411,418, plus strand): 5'-TCAAGCCTCTGTTTTACTAGCTGCATCTTCGTTGAAGAACTTTCAGTGTGGACAAATTCA[T>C]CAATCTGAAAAGAGCCTTGATGGGGTAGTTTTGGACAGGTACATAGGGCATCTTGACTTT-3'
Protein context (NP_001128303.1, residues 954-974): KLPHQGSFQI[Asp964Gly]EFVHTESSST

ClinVar aggregate classification (germline): Uncertain significance. Review status: criteria provided, multiple submitters, no conflicts (2 of 4 stars). 3 submissions from 3 submitters: Uncertain significance (3). Last evaluated 2025-06-07.

Conditions:
Inborn genetic diseases. Identifiers: MedGen C0950123, MeSH D030342.
Joubert syndrome. Also called: JOUBERT-BOLTSHAUSER SYNDROME; Familial aplasia of the vermis. Identifiers: Orphanet 475, MedGen C5979921, MONDO:0018772.

Allele frequency attached by ClinVar (database versions not stated): ExAC 0.00001; gnomAD 0.00001; gnomAD exomes 0.00001; TOPMed 0.00001.
gnomAD v4.1: 10 of 1,613,754 alleles (0.00062%); highest among the groups gnomAD compares: Admixed American, 0.0017%; no homozygotes.

Submissions (3):

Ambry Genetics
Classification: Uncertain significance for Inborn genetic diseases. Last evaluated: 2025-06-07. Review status: criteria provided, single submitter. Criteria: Ambry Variant Classification Scheme 2023. Collection method: clinical testing. Allele origin: germline.

Labcorp Genetics (formerly Invitae), Labcorp
Classification: Uncertain significance for Joubert syndrome. Last evaluated: 2022-04-16. Review status: criteria provided, single submitter. Criteria: Invitae Variant Classification Sherloc (09022015). Collection method: clinical testing. Allele origin: germline.
Comment: This sequence change replaces aspartic acid, which is acidic and polar, with glycine, which is neutral and non-polar, at codon 964 of the AHI1 protein (p.Asp964Gly). This variant is present in population databases (rs753545355, gnomAD 0.003%). This variant has not been reported in the literature in individuals affected with AHI1-related conditions. Advanced modeling of protein sequence and biophysical properties (such as structural, functional, and spatial information, amino acid conservation, physicochemical variation, residue mobility, and thermodynamic stability) performed at Invitae indicates that this missense variant is not expected to disrupt AHI1 protein function. In summary, the available evidence is currently insufficient to determine the role of this variant in disease. Therefore, it has been classified as a Variant of Uncertain Significance.

Blueprint Genetics
Classification: Uncertain significance. Last evaluated: 2019-09-06. Review status: criteria provided, single submitter. Criteria: ACMG Guidelines, 2015. Collection method: clinical testing. Allele origin: germline.